The following is an entry in ClinVar:

ClinVar aggregate classification (germline): Uncertain significance (1 of 4 stars; one submission).

Conditions:
Lymphoproliferative syndrome 1 (LPFS1). Identifiers: Orphanet 238505, Orphanet 538963, MedGen C3552634, MONDO:0013081, OMIM 613011.

Submission:

Labcorp Genetics (formerly Invitae), Labcorp
Classification: Uncertain significance for Lymphoproliferative syndrome 1. Last evaluated: 2021-09-24. Review status: criteria provided, single submitter. Criteria: Invitae Variant Classification Sherloc (09022015). Collection method: clinical testing. Allele origin: germline.
Comment: This sequence change replaces phenylalanine with serine at codon 454 of the ITK protein (p.Phe454Ser). The phenylalanine residue is moderately conserved and there is a large physicochemical difference between phenylalanine and serine. This variant is not present in population databases (ExAC no frequency). This variant has not been reported in the literature in individuals with ITK-related conditions. Advanced modeling of protein sequence and biophysical properties (such as structural, functional, and spatial information, amino acid conservation, physicochemical variation, residue mobility, and thermodynamic stability) performed at Invitae indicates that this missense variant is not expected to disrupt ITK protein function. In summary, the available evidence is currently insufficient to determine the role of this variant in disease. Therefore, it has been classified as a Variant of Uncertain Significance.

NM_005546.4(ITK):c.1361T>C (p.Phe454Ser)

Gene: ITK (IL2 inducible T cell kinase; plus strand). Cytogenetic location: 5q33.3.
Variant type: single nucleotide variant.
Coding change: c.1361T>C on transcript NM_005546.4 (MANE Select); coding-DNA position 1361, T replaced by C.
Protein change: p.Phe454Ser; replaces phenylalanine 454 with serine.
Molecular consequence: missense variant.
Genome position (GRCh38, 1-based): chr5:157,244,390, T>C. VCF-style: chr5-157244390-T-C. GRCh37 (hg19) VCF-style: chr5-156671400-T-C.
Other names: short protein forms F454S.
Identifiers: ClinVar variation 1493701 (VCV001493701.5), dbSNP rs2113775055, ClinGen allele CA361961658.